The following is an entry in ClinVar:

ClinVar aggregate classification (germline): Conflicting classifications of pathogenicity. Review status: criteria provided, conflicting classifications (1 of 4 stars). 5 submissions from 5 submitters: Uncertain significance (4); Likely benign (1). Last evaluated 2025-03-09.

Conditions:
Hereditary breast ovarian cancer syndrome. Also called: Breast and ovarian cancer; Hereditary breast and/or ovarian cancer syndrome; Hereditary breast and ovarian cancer; Hereditary breast and ovarian cancer syndrome (HBOC); BRCA1- and BRCA2-Associated Hereditary Breast and Ovarian Cancer; Hereditary breast and ovarian cancer syndrome. Identifiers: Orphanet 145, MedGen C0677776, MeSH D061325, MONDO:0003582. Disease mechanism: loss of function.
Hereditary cancer-predisposing syndrome. Also called: Hereditary Cancer Syndrome; Neoplastic Syndromes, Hereditary; Tumor predisposition; Hereditary neoplastic syndrome. Identifiers: Orphanet 140162, MedGen C0027672, MeSH D009386, MONDO:0015356.

Submissions (5):

Labcorp Genetics (formerly Invitae), Labcorp
Classification: Uncertain significance for Hereditary breast ovarian cancer syndrome. Last evaluated: 2025-03-09. Review status: criteria provided, single submitter. Criteria: Invitae Variant Classification Sherloc (09022015). Collection method: clinical testing. Allele origin: germline.
Comment: This sequence change replaces glutamic acid, which is acidic and polar, with lysine, which is basic and polar, at codon 1134 of the BRCA1 protein (p.Glu1134Lys). This variant is not present in population databases (gnomAD no frequency). This variant has not been reported in the literature in individuals affected with BRCA1-related conditions. ClinVar contains an entry for this variant (Variation ID: 491061). Invitae Evidence Modeling of protein sequence and biophysical properties (such as structural, functional, and spatial information, amino acid conservation, physicochemical variation, residue mobility, and thermodynamic stability) indicates that this missense variant is not expected to disrupt BRCA1 protein function with a negative predictive value of 80%. In summary, the available evidence is currently insufficient to determine the role of this variant in disease. Therefore, it has been classified as a Variant of Uncertain Significance.

Ambry Genetics
Classification: Uncertain significance for Hereditary cancer-predisposing syndrome. Last evaluated: 2023-11-16. Review status: criteria provided, single submitter. Criteria: Ambry Variant Classification Scheme 2023. Collection method: clinical testing. Allele origin: germline.
Comment: The p.E1134K variant (also known as c.3400G>A), located in coding exon 9 of the BRCA1 gene, results from a G to A substitution at nucleotide position 3400. The glutamic acid at codon 1134 is replaced by lysine, an amino acid with similar properties. This amino acid position is well conserved in available vertebrate species. In addition, the in silico prediction for this alteration is inconclusive. Since supporting evidence is limited at this time, the clinical significance of this alteration remains unclear.

University of Washington Department of Laboratory Medicine, University of Washington
Classification: Likely benign for Hereditary cancer-predisposing syndrome. Last evaluated: 2023-03-23. Review status: criteria provided, single submitter. Criteria: Dines et al. (Genet Med. 2020). Collection method: curation. Allele origin: germline.
Comment: Missense variant in a coldspot region where missense variants are very unlikely to be pathogenic (PMID:31911673).

BRCA1 coldspot (exon 11 using historical exon numbering). Reclassification based on statistical prior probability

Color Diagnostics, LLC DBA Color Health
Classification: Uncertain significance for Hereditary cancer-predisposing syndrome. Last evaluated: 2019-11-19. Review status: criteria provided, single submitter. Criteria: ACMG Guidelines, 2015. Collection method: clinical testing. Allele origin: germline.
Comment: This missense variant replaces glutamic acid with lysine at codon 1134 of the BRCA1 protein. Computational prediction is inconclusive regarding the impact of this variant on protein structure and function (internally defined REVEL score threshold 0.5 < inconclusive < 0.7, PMID: 27666373). Splice site prediction tools suggest that this variant may not impact RNA splicing. To our knowledge, functional studies have not been performed for this variant. This variant has not been reported in individuals affected with hereditary cancer in the literature. This variant has not been identified in the general population by the Genome Aggregation Database (gnomAD). The available evidence is insufficient to determine the role of this variant in disease conclusively. Therefore, this variant is classified as a Variant of Uncertain Significance.

Women's Health and Genetics/Laboratory Corporation of America, LabCorp
Classification: Uncertain significance. Last evaluated: 2017-06-16. Review status: criteria provided, single submitter. Criteria: LabCorp Variant Classification Summary - May 2015. Collection method: clinical testing. Allele origin: germline.
Comment: Variant summary: The BRCA1 c.3400G>A (p.Glu1134Lys) variant causes a missense change involving the alteration of a conserved nucleotide. 2/4 in silico tools predict a benign outcome for this variant (SNPsandGO not available). The variant of interest has not been found in a large, broad control population, ExAC in 121178 control chromosomes. The variant of interest has not, to our knowledge, been reported in affected individuals via publications and/or reputable databases/clinical diagnostic laboratories; nor evaluated for functional impact by in vivo/vitro studies. Because of the absence of clinical information and the lack of functional studies, the variant is classified as a variant of uncertain significance (VUS).

NM_007294.4(BRCA1):c.3400G>A (p.Glu1134Lys)

Genes: BRCA1 (BRCA1 DNA repair associated; minus strand), LOC126862571 (BRD4-independent group 4 enhancer GRCh37_chr17:41243136-41244335; plus strand). Cytogenetic location: 17q21.31.
Variant type: single nucleotide variant.
Coding change: c.3400G>A on transcript NM_007294.4 (MANE Select); coding-DNA position 3400, G replaced by A.
Protein change: p.Glu1134Lys; replaces glutamic acid 1134 with lysine.
Molecular consequence: missense variant. On other transcripts: intron variant (135).
Genome position (GRCh38, 1-based): chr17:43,092,131, C>T on the plus strand (G>A on the coding strand, the complement: BRCA1 is on the minus strand). VCF-style: chr17-43092131-C-T. GRCh37 (hg19) VCF-style: chr17-41244148-C-T.
Other names: c.3397G>A, p.Glu1133Lys (NM_001407633.1, NM_001407634.1, NM_001407635.1 and 22 more transcripts); c.3400G>A, p.Glu1134Lys (NM_001407639.1, NM_001407640.1, NM_001407641.1 and 30 more transcripts); c.3391G>A, p.Glu1131Lys (NM_001407646.1, NM_001407647.1); c.3277G>A, p.Glu1093Lys (NM_001407648.1, NM_001407664.1, NM_001407665.1 and 19 more transcripts); c.3274G>A, p.Glu1092Lys (NM_001407649.1, NM_001407670.1, NM_001407671.1 and 11 more transcripts); c.3322G>A, p.Glu1108Lys (NM_001407653.1, NM_001407654.1, NM_001407655.1 and 4 more transcripts); c.3319G>A, p.Glu1107Lys (NM_001407659.1, NM_001407660.1, NM_001407661.1 and 1 more transcripts); c.3259G>A, p.Glu1087Lys (NM_001407692.1, NM_001407694.1, NM_001407695.1 and 29 more transcripts); and 41 more; short protein forms E1134K, E1087K, E1045K, E1108K, E1133K, E1007K, E1066K, E1067K.
Identifiers: ClinVar variation 491061 (VCV000491061.20), dbSNP rs80357018, ClinGen allele CA10595178.
Genomic context (GRCh38, chr17:43,092,131, plus strand): 5'-ACAGGTCATCAGGTGTCTCAGAACAAACCTGAGATGCATGACTACTTCCCATAGGCTGTT[C>T]TAAGTTATCTGAAATCAGATATGGAGAGAAATCTGTATTAACAGTCTGAACTACTTCTTC-3'
Protein context (NP_009225.1, residues 1124-1144): FSPYLISDNL[Glu1134Lys]QPMGSSHASQ